The following is an entry in ClinVar:

NM_020911.2(PLXNA4):c.4749A>G (p.Thr1583=)

Gene: PLXNA4 (plexin A4; minus strand). Cytogenetic location: 7q32.3.
Variant type: single nucleotide variant.
Coding change: c.4749A>G on transcript NM_020911.2 (MANE Select); coding-DNA position 4749, A replaced by G.
Protein change: p.Thr1583=; no amino-acid change (threonine 1583 retained).
Molecular consequence: synonymous variant.
Genome position (GRCh38, 1-based): chr7:132,148,558, T>C on the plus strand (A>G on the coding strand, the complement: PLXNA4 is on the minus strand). VCF-style: chr7-132148558-T-C. GRCh37 (hg19) VCF-style: chr7-131833317-T-C.
Other names: c.4749A>G, p.Thr1583= (NM_001393897.1).
Identifiers: ClinVar variation 3055061 (VCV003055061.2), dbSNP rs745706919, ClinGen allele CA4489108.

ClinVar aggregate classification (germline): Likely benign (0 of 4 stars; one submission).

Conditions:
PLXNA4-related disorder. Also called: PLXNA4-related condition.

Allele frequency attached by ClinVar (database versions not stated): gnomAD 0.00002; TOPMed 0.00006; gnomAD exomes 0.00008; ExAC 0.00014.
gnomAD v4.1: 118 of 1,614,086 alleles (0.0073%); highest among the groups gnomAD compares: East Asian, 0.24%; 2 homozygotes.

Submission:

PreventionGenetics, part of Exact Sciences
Classification: Likely benign for PLXNA4-related condition. Last evaluated: 2022-11-04. Review status: no assertion criteria provided. Collection method: clinical testing. Allele origin: germline.
Comment: This variant is classified as likely benign based on ACMG/AMP sequence variant interpretation guidelines (Richards et al. 2015 PMID: 25741868, with internal and published modifications).